The following is an entry in ClinVar:

NM_033380.3(COL4A5):c.1086del (p.Leu363fs)

Gene: COL4A5 (collagen type IV alpha 5 chain; plus strand). Cytogenetic location: Xq22.3.
Variant type: Deletion.
Coding change: c.1086del on transcript NM_033380.3 (MANE Select); coding-DNA position 1086, one base deleted (G; older notation c.1086delG).
Protein change: p.Leu363fs; shifts the reading frame from leucine 363.
Molecular consequence: frameshift variant.
Genome position (GRCh38, 1-based): chrX:108,586,668, G deleted; the last of 3 consecutive G bases (chrX:108,586,666-108,586,668); deleting any one gives the same sequence. VCF-style (leftmost placement, unchanged base first): chrX-108586665-TG-T. GRCh37 (hg19) VCF-style: chrX-107829895-TG-T.
Other names: c.1086del, p.Leu363fs (NM_000495.5); short protein forms L363fs.
Identifiers: ClinVar variation 5016244 (VCV005016244.1).

ClinVar aggregate classification (germline): Pathogenic (1 of 4 stars; one submission).

Conditions:
X-linked Alport syndrome (ATS1). Also called: COL4A5-Related Nephropathy; NEPHROPATHY AND DEAFNESS, X-LINKED. Identifiers: Orphanet 63, Orphanet 88917, MedGen C4746986, MONDO:0010520, OMIM 301050.

Submission:

Myriad Genetics, Inc.
Classification: Pathogenic for X-linked Alport syndrome. Last evaluated: 2026-08-18. Review status: criteria provided, single submitter. Criteria: Myriad Autosomal Dominant, Autosomal Recessive and X-Linked Classification Criteria (2023). Collection method: clinical testing. Allele origin: unknown.
Comment: NM_000495.4(COL4A5):c.1086delG(L363Cfs*111) is expected to be pathogenic in the context of X-linked Alport syndrome. This variant is predicted to lead to an abnormal or absent protein product due to the creation of a premature termination codon in COL4A5, a gene where loss-of-function variants are known to be pathogenic. Please note: this variant was assessed in the context of healthy population screening.